The following is an entry in ClinVar:

ClinVar aggregate classification (germline): Conflicting classifications of pathogenicity. Review status: criteria provided, conflicting classifications (1 of 4 stars). 2 submissions from 2 submitters: Likely pathogenic (1); Uncertain significance (1). Last evaluated 2025-11-05.

Conditions:
LAMA2-related muscular dystrophy (LAMA2-RD). Also called: Laminin alpha 2-related dystrophy. Identifiers: MedGen C5679788, MONDO:0100228.

Allele frequency attached by ClinVar (database versions not stated): gnomAD exomes below 0.00001.
gnomAD v4.1: 2 of 1,573,454 alleles (0.00013%); highest among the groups gnomAD compares: Non-Finnish European, 0.000087%; no homozygotes.

Submissions (2):

Myriad Genetics, Inc.
Classification: Uncertain significance for LAMA2-related muscular dystrophy. Last evaluated: 2025-11-05. Review status: criteria provided, single submitter. Criteria: Myriad Autosomal Dominant, Autosomal Recessive and X-Linked Classification Criteria (2023). Collection method: clinical testing. Allele origin: unknown.
Comment: NM_000426.3(LAMA2):c.3411+1G>A is a variant in a canonical splice site classified as a variant of uncertain significance in the context of muscular dystrophy, LAMA2-related. c.3411+1G>A has not been observed in cases with relevant disease. Relevant functional assessments of this variant are not available in the literature. c.3411+1G>A has not been observed in referenced population frequency databases. In summary, there is insufficient evidence to classify NM_000426.3(LAMA2):c.3411+1G>A as pathogenic or benign. Please note: this variant was assessed in the context of healthy population screening.

Labcorp Genetics (formerly Invitae), Labcorp
Classification: Likely pathogenic for LAMA2-related muscular dystrophy. Last evaluated: 2020-07-27. Review status: criteria provided, single submitter. Criteria: Invitae Variant Classification Sherloc (09022015). Collection method: clinical testing. Allele origin: germline.
Comment: This variant has not been reported in the literature in individuals with LAMA2-related conditions. This sequence change affects a donor splice site in intron 23 of the LAMA2 gene. It is expected to disrupt RNA splicing and likely results in an absent or disrupted protein product. This variant is not present in population databases (ExAC no frequency). Algorithms developed to predict the effect of sequence changes on RNA splicing suggest that this variant may disrupt the consensus splice site, but this prediction has not been confirmed by published transcriptional studies. Donor and acceptor splice site variants typically lead to a loss of protein function (PMID: 16199547), and loss-of-function variants in LAMA2 are known to be pathogenic (PMID: 18700894). In summary, the currently available evidence indicates that the variant is pathogenic, but additional data are needed to prove that conclusively. Therefore, this variant has been classified as Likely Pathogenic.

Literature cited by the submitters: PubMed 16199547 (cited by Labcorp Genetics (formerly Invitae), Labcorp); PubMed 18700894 (cited by Labcorp Genetics (formerly Invitae), Labcorp).

NM_000426.4(LAMA2):c.3411+1G>A

Gene: LAMA2 (laminin subunit alpha 2; plus strand). Cytogenetic location: 6q22.33.
Variant type: single nucleotide variant.
Coding change: c.3411+1G>A on transcript NM_000426.4 (MANE Select); the canonical splice donor site of the intron after coding-DNA position 3411, G replaced by A.
Molecular consequence: splice donor variant.
Genome position (GRCh38, 1-based): chr6:129,313,098, G>A. VCF-style: chr6-129313098-G-A. GRCh37 (hg19) VCF-style: chr6-129634243-G-A.
Other names: c.3411+1G>A (NM_001079823.2).
Identifiers: ClinVar variation 1067055 (VCV001067055.8), dbSNP rs2114494623, ClinGen allele CA365612158.